The following is an entry in ClinVar:

ClinVar aggregate classification (germline): Pathogenic (1 of 4 stars; one submission).

Conditions:
Peroxisome biogenesis disorder. Identifiers: Orphanet 79189, MedGen C1832200, MONDO:0019234. Disease mechanism: loss of function.

Submission:

Myriad Genetics, Inc.
Classification: Pathogenic for Peroxisome biogenesis disorder. Last evaluated: 2025-03-13. Review status: criteria provided, single submitter. Criteria: Myriad Autosomal Dominant, Autosomal Recessive and X-Linked Classification Criteria (2023). Collection method: clinical testing. Allele origin: unknown.
Comment: NM_000466.2(PEX1):c.2869dupA(T957Nfs*6) is expected to be pathogenic in the context of peroxisome biogenesis disorder type 1. This variant is predicted to lead to an abnormal or absent protein product due to the creation of a premature termination codon in PEX1, a gene where loss-of-function variants are known to be pathogenic. Please note: this variant was assessed in the context of healthy population screening.

NM_000466.3(PEX1):c.2869dup (p.Thr957fs)

Genes: GATAD1 (GATA zinc finger domain containing 1; plus strand), PEX1 (peroxisomal biogenesis factor 1; minus strand). Cytogenetic location: 7q21.2.
Variant type: Duplication.
Coding change: c.2869dup on transcript NM_000466.3 (MANE Select); coding-DNA position 2869, one base duplicated (A; older notation c.2869dupA).
Protein change: p.Thr957fs; shifts the reading frame from threonine 957.
Molecular consequence: frameshift variant.
Genome position (GRCh38, 1-based): chr7:92,494,544, T duplicated on the plus strand (A on the coding strand, the reverse complement: PEX1 is on the minus strand). VCF-style (leftmost placement, unchanged base first): chr7-92494543-G-GT. GRCh37 (hg19) VCF-style: chr7-92123857-G-GT.
Other names: c.2698dup, p.Thr900fs (NM_001282677.2); c.2245dup, p.Thr749fs (NM_001282678.2); short protein forms T749fs, T900fs, T957fs.
Identifiers: ClinVar variation 5014208 (VCV005014208.1).